The following is an entry in ClinVar:

NM_003738.5(PTCH2):c.3257+3del

Gene: PTCH2 (patched 2; minus strand). Cytogenetic location: 1p34.1.
Variant type: Deletion.
Coding change: c.3257+3del on transcript NM_003738.5 (MANE Select); 3 bases into the intron after coding-DNA position 3257, one base deleted (A; older notation c.3257+3delA).
Molecular consequence: intron variant.
Genome position (GRCh38, 1-based): chr1:44,823,240, T deleted on the plus strand (A on the coding strand, the reverse complement: PTCH2 is on the minus strand). VCF-style (leftmost placement, unchanged base first): chr1-44823239-CT-C. GRCh37 (hg19) VCF-style: chr1-45288911-CT-C.
Other names: c.3257+3del (NM_001166292.2, NM_003738.4).
Identifiers: ClinVar variation 524531 (VCV000524531.10), dbSNP rs758457727, ClinGen allele CA822763.

ClinVar aggregate classification (germline): Uncertain significance (1 of 4 stars; one submission).

Conditions:
Gorlin syndrome. Also called: Nevoid Basal Cell Carcinoma Syndrome; Basal cell nevus syndrome. Identifiers: Orphanet 377, MedGen C0004779, MONDO:0007187.

Allele frequency attached by ClinVar (database versions not stated): ExAC 0.00006; ESP Exome Variant Server 0.00008; gnomAD exomes 0.00008 and 0.00028; gnomAD 0.00011 and 0.00013; TOPMed 0.00011.

Submission:

Labcorp Genetics (formerly Invitae), Labcorp
Classification: Uncertain significance for Gorlin syndrome. Last evaluated: 2025-12-22. Review status: criteria provided, single submitter. Criteria: Invitae Variant Classification Sherloc (09022015). Collection method: clinical testing. Allele origin: germline.
Comment: This sequence change falls in intron 20 of the PTCH2 gene. It does not directly change the encoded amino acid sequence of the PTCH2 protein. It affects a nucleotide within the consensus splice site. This variant is present in population databases (rs758457727, gnomAD 0.02%). This variant has not been reported in the literature in individuals affected with PTCH2-related conditions. ClinVar contains an entry for this variant (Variation ID: 524531). Variants that disrupt the consensus splice site are a relatively common cause of aberrant splicing (PMID: 17576681, 9536098). Algorithms developed to predict the effect of sequence changes on RNA splicing suggest that this variant may disrupt the consensus splice site. In summary, the available evidence is currently insufficient to determine the role of this variant in disease. Therefore, it has been classified as a Variant of Uncertain Significance.

Literature cited by the submitters: PubMed 17576681; PubMed 9536098.